The following is an entry in ClinVar:

NM_001099289.3(SH3RF3):c.1286C>T (p.Ala429Val)

Genes: RANBP2 (RAN binding protein 2; plus strand), SH3RF3 (SH3 domain containing ring finger 3; plus strand). Cytogenetic location: 2q13.
Variant type: single nucleotide variant.
Coding change: c.1286C>T on transcript NM_001099289.3 (MANE Select); coding-DNA position 1286, C replaced by T.
Protein change: p.Ala429Val; replaces alanine 429 with valine.
Molecular consequence: missense variant.
Genome position (GRCh38, 1-based): chr2:109,398,930, C>T. VCF-style: chr2-109398930-C-T. GRCh37 (hg19) VCF-style: chr2-110015386-C-T.
Other names: short protein forms A429V.
Identifiers: ClinVar variation 4164366 (VCV004164366.1).

ClinVar aggregate classification (germline): Uncertain significance (1 of 4 stars; one submission).

gnomAD v4.1: 2 of 1,611,800 alleles (0.00012%); highest among the groups gnomAD compares: Admixed American, 0.0033%; no homozygotes.

Submission:

Ambry Genetics
Classification: Uncertain significance. Last evaluated: 2025-07-14. Review status: criteria provided, single submitter. Criteria: Ambry Variant Classification Scheme 2023. Collection method: clinical testing. Allele origin: germline.
Comment: The c.1286C>T (p.A429V) alteration is located in exon (coding exon ) of the SH3RF3 gene. This alteration results from a C to T substitution at nucleotide position 1286, causing the alanine (A) at amino acid position 429 to be replaced by a valine (V). Based on insufficient or conflicting evidence, the clinical significance of this alteration remains unclear.